The following is an entry in ClinVar:

NM_000551.4(VHL):c.245G>A (p.Arg82His)

Gene: VHL (von Hippel-Lindau tumor suppressor; plus strand). Cytogenetic location: 3p25.3.
Variant type: single nucleotide variant.
Coding change: c.245G>A on transcript NM_000551.4 (MANE Select); coding-DNA position 245, G replaced by A.
Protein change: p.Arg82His; replaces arginine 82 with histidine.
Molecular consequence: missense variant.
Genome position (GRCh38, 1-based): chr3:10,142,092, G>A. VCF-style: chr3-10142092-G-A. GRCh37 (hg19) VCF-style: chr3-10183776-G-A.
Other names: c.245G>A, p.Arg82His (NM_001354723.2, NM_198156.3); short protein forms R82H.
Identifiers: ClinVar variation 821314 (VCV000821314.14), dbSNP rs794726890, ClinGen allele CA351750549.

ClinVar aggregate classification (germline): Conflicting classifications of pathogenicity. Review status: criteria provided, conflicting classifications (1 of 4 stars). 2 submissions from 2 submitters: Likely pathogenic (1); Uncertain significance (1). Last evaluated 2022-02-21.

Conditions:
Von Hippel-Lindau syndrome (VHLS). Also called: VHL syndrome; Von Hippel-Lindau; von Hippel–Lindau syndrome. Identifiers: Orphanet 892, MedGen C0019562, MONDO:0008667, OMIM 193300. Disease mechanism: loss of function.
Chuvash polycythemia. Also called: POLYCYTHEMIA, VHL-DEPENDENT. Identifiers: Orphanet 238557, MedGen C1837915, MONDO:0009892, OMIM 263400.
Hereditary cancer-predisposing syndrome. Also called: Hereditary Cancer Syndrome; Neoplastic Syndromes, Hereditary; Hereditary neoplastic syndrome; Tumor predisposition. Identifiers: Orphanet 140162, MedGen C0027672, MeSH D009386, MONDO:0015356.

Submissions (2):

Labcorp Genetics (formerly Invitae), Labcorp
Classification: Likely pathogenic for Von Hippel-Lindau syndrome; Chuvash polycythemia. Last evaluated: 2022-02-21. Review status: criteria provided, single submitter. Criteria: Invitae Variant Classification Sherloc (09022015). Collection method: clinical testing. Allele origin: germline.
Comment: Advanced modeling of protein sequence and biophysical properties (such as structural, functional, and spatial information, amino acid conservation, physicochemical variation, residue mobility, and thermodynamic stability) performed at Invitae indicates that this missense variant is expected to disrupt VHL protein function. In summary, the currently available evidence indicates that the variant is pathogenic, but additional data are needed to prove that conclusively. Therefore, this variant has been classified as Likely Pathogenic. This variant disrupts the p.Arg82 amino acid residue in VHL. Other variant(s) that disrupt this residue have been determined to be pathogenic (PMID: 12202531, 12603429, 20447124, 23327821, 23626751, 26973240). This suggests that this residue is clinically significant, and that variants that disrupt this residue are likely to be disease-causing. ClinVar contains an entry for this variant (Variation ID: 821314). This missense change has been observed in individual(s) with pheochromocytoma (Invitae). This variant is not present in population databases (gnomAD no frequency). This sequence change replaces arginine, which is basic and polar, with histidine, which is basic and polar, at codon 82 of the VHL protein (p.Arg82His).

Ambry Genetics
Classification: Uncertain significance for Hereditary cancer-predisposing syndrome. Last evaluated: 2019-10-22. Review status: criteria provided, single submitter. Criteria: Ambry Variant Classification Scheme 2023. Collection method: clinical testing. Allele origin: germline.
Comment: The p.R82H variant (also known as c.245G>A), located in coding exon 1 of the VHL gene, results from a G to A substitution at nucleotide position 245. The arginine at codon 82 is replaced by histidine, an amino acid with highly similar properties. This amino acid position is highly conserved in available vertebrate species. In addition, this alteration is predicted to be deleterious by in silico analysis. Since supporting evidence is limited at this time, the clinical significance of this alteration remains unclear.

Literature cited by the submitters: PubMed 12202531 (cited by Labcorp Genetics (formerly Invitae), Labcorp); PubMed 12603429 (cited by Labcorp Genetics (formerly Invitae), Labcorp); PubMed 20447124 (cited by Labcorp Genetics (formerly Invitae), Labcorp); PubMed 23327821 (cited by Labcorp Genetics (formerly Invitae), Labcorp); PubMed 23626751 (cited by Labcorp Genetics (formerly Invitae), Labcorp); PubMed 26973240 (cited by Labcorp Genetics (formerly Invitae), Labcorp).